The following is an entry in ClinVar:

ClinVar aggregate classification (germline): Uncertain significance. Review status: criteria provided, multiple submitters, no conflicts (2 of 4 stars). 2 submissions from 2 submitters: Uncertain significance (2). Last evaluated 2023-10-18.

Conditions:
Developmental and epileptic encephalopathy 94 (DEE94). Also called: CHD2-Related Neurodevelopmental Disorders; Epileptic encephalopathy, childhood-onset. Identifiers: Orphanet 1942, Orphanet 2382, MedGen C3809278, MONDO:0014150, OMIM 615369.

Allele frequency attached by ClinVar (database versions not stated): gnomAD exomes 0.00001.
gnomAD v4.1: 18 of 1,613,148 alleles (0.0011%); highest among the groups gnomAD compares: South Asian, 0.0066%; no homozygotes.

Submissions (2):

Labcorp Genetics (formerly Invitae), Labcorp
Classification: Uncertain significance for Developmental and epileptic encephalopathy 94. Last evaluated: 2023-10-18. Review status: criteria provided, single submitter. Criteria: Invitae Variant Classification Sherloc (09022015). Collection method: clinical testing. Allele origin: germline.
Comment: This sequence change replaces valine, which is neutral and non-polar, with isoleucine, which is neutral and non-polar, at codon 230 of the CHD2 protein (p.Val230Ile). This variant is present in population databases (rs762370978, gnomAD 0.009%). This variant has not been reported in the literature in individuals affected with CHD2-related conditions. ClinVar contains an entry for this variant (Variation ID: 541363). Advanced modeling of protein sequence and biophysical properties (such as structural, functional, and spatial information, amino acid conservation, physicochemical variation, residue mobility, and thermodynamic stability) performed at Invitae indicates that this missense variant is not expected to disrupt CHD2 protein function. In summary, the available evidence is currently insufficient to determine the role of this variant in disease. Therefore, it has been classified as a Variant of Uncertain Significance.

Neuberg Centre For Genomic Medicine, NCGM
Classification: Uncertain significance for Developmental and epileptic encephalopathy 94. Review status: criteria provided, single submitter. Criteria: ACMG Guidelines, 2015. Collection method: clinical testing. Allele origin: germline. Affected: yes.
Comment: The missense variant p.V230I in CHD2 (NM_001271.4) has not been reported previously as a pathogenic variant nor as a benign variant, to our knowledge. It has been submitted to ClinVar as Uncertain significance. The missense variant c.688G>A (p.V230I) in CHD2 (NM_001271.4) is observed in 3/34404 (0.0087%) alleles from individuals of Latino background in the gnomAD dataset (Exome Aggregation Consortium et al., 2016), but was not seen in the homozygous state. For these reasons, this variant has been classified as Uncertain Significance

NM_001271.4(CHD2):c.688G>A (p.Val230Ile)

Gene: CHD2 (chromodomain helicase DNA binding protein 2; plus strand). Cytogenetic location: 15q26.1.
Variant type: single nucleotide variant.
Coding change: c.688G>A on transcript NM_001271.4 (MANE Select); coding-DNA position 688, G replaced by A.
Protein change: p.Val230Ile; replaces valine 230 with isoleucine.
Molecular consequence: missense variant.
Genome position (GRCh38, 1-based): chr15:92,939,714, G>A. VCF-style: chr15-92939714-G-A. GRCh37 (hg19) VCF-style: chr15-93482944-G-A.
Other names: c.688G>A, p.Val230Ile (NM_001042572.3); short protein forms V230I.
Identifiers: ClinVar variation 541363 (VCV000541363.13), dbSNP rs762370978, ClinGen allele CA7747596.
Genomic context (GRCh38, chr15:92,939,714, plus strand): 5'-GAGGATGATGATGATGACGAAGCTCCCAAAAGGCAGACTCGTCGAAGAGCGGCTAAAAAC[G>A]TTAGGTAAGTTGTACCCCAGAAGTGTTTCACTGGTGTGATGTGATAAAGTAGTTGGTTAG-3'
Protein context (NP_001262.3, residues 220-240): RQTRRRAAKN[Val230Ile]SYKEDDDFET